The following is an entry in ClinVar:

ClinVar aggregate classification (germline): Conflicting classifications of pathogenicity. Review status: criteria provided, conflicting classifications (1 of 4 stars). 9 submissions from 5 submitters: Uncertain significance (8); Likely benign (1). Last evaluated 2025-04-01.

Conditions:
Dystonia 9 (DYT9). Also called: CHOREOATHETOSIS, KINESIGENIC, WITH EPISODIC ATAXIA AND SPASTICITY. Identifiers: Orphanet 53583, MedGen C1832855, MONDO:0010983, OMIM 601042.
Hereditary cryohydrocytosis with reduced stomatin. Also called: GLUT1 DEFICIENCY SYNDROME WITH PSEUDOHYPERKALEMIA AND HEMOLYSIS; Stomatin-deficient cryohydrocytosis with neurologic defects. Identifiers: Orphanet 168577, MedGen C1837206, MONDO:0012143, OMIM 608885.
Inborn genetic diseases. Identifiers: MedGen C0950123, MeSH D030342.
Epilepsy, idiopathic generalized, susceptibility to, 12 (EIG12). Identifiers: MedGen C3553859, MONDO:0013919, OMIM 614847.
Encephalopathy due to GLUT1 deficiency. Also called: GLUT1 deficiency syndrome 1, infantile onset, severe; Classic Glucose Transporter Type 1 Deficiency Syndrome; GLUCOSE TRANSPORT DEFECT, BLOOD-BRAIN BARRIER; Glucose transporter protein syndrome; GLUT1 deficiency syndrome 1; De Vivo disease. Identifiers: Orphanet 71277, MedGen C4551966, MONDO:0011724, OMIM 606777.
Childhood onset GLUT1 deficiency syndrome 2. Also called: GLUT1 deficiency syndrome 2; Exertion-induced paroxysmal dyskinesia; Paroxysmal exercise-induced dystonia; PxMD-SLC2A1; PAROXYSMAL EXERCISE-INDUCED DYSKINESIA WITH OR WITHOUT EPILEPSY AND/OR HEMOLYTIC ANEMIA; PAROXYSMAL EXERTION-INDUCED DYSTONIA WITH OR WITHOUT EPILEPSY AND/OR HEMOLYTIC ANEMIA. Identifiers: Orphanet 98811, MedGen C1842534, MONDO:0012805, OMIM 612126.
GLUT1 deficiency syndrome 1, autosomal recessive. Identifiers: MedGen C3149117.

Allele frequency attached by ClinVar (database versions not stated): TOPMed 0.00001; 1000 Genomes Project 30x 0.00016.
gnomAD v4.1: 35 of 1,614,178 alleles (0.0022%); highest among the groups gnomAD compares: Middle Eastern, 0.033%; 1 homozygote.

Submissions (9):

Ambry Genetics
Classification: Likely benign for Inborn genetic diseases. Last evaluated: 2025-04-01. Review status: criteria provided, single submitter. Criteria: Ambry Variant Classification Scheme 2023. Collection method: clinical testing. Allele origin: germline.

Genome-Nilou Lab
Classification: Uncertain significance for Epilepsy, idiopathic generalized, susceptibility to, 12. Last evaluated: 2023-04-11. Review status: criteria provided, single submitter. Criteria: ACMG Guidelines, 2015. Collection method: clinical testing. Allele origin: germline. Affected: no.

Genome-Nilou Lab
Classification: Uncertain significance for Dystonia 9. Last evaluated: 2023-04-11. Review status: criteria provided, single submitter. Criteria: ACMG Guidelines, 2015. Collection method: clinical testing. Allele origin: germline. Affected: no.

Genome-Nilou Lab
Classification: Uncertain significance for Encephalopathy due to GLUT1 deficiency. Last evaluated: 2023-04-11. Review status: criteria provided, single submitter. Criteria: ACMG Guidelines, 2015. Collection method: clinical testing. Allele origin: germline. Affected: no.

Genome-Nilou Lab
Classification: Uncertain significance for Childhood onset GLUT1 deficiency syndrome 2. Last evaluated: 2023-04-11. Review status: criteria provided, single submitter. Criteria: ACMG Guidelines, 2015. Collection method: clinical testing. Allele origin: germline. Affected: no.

Genome-Nilou Lab
Classification: Uncertain significance for Hereditary cryohydrocytosis with reduced stomatin. Last evaluated: 2023-04-11. Review status: criteria provided, single submitter. Criteria: ACMG Guidelines, 2015. Collection method: clinical testing. Allele origin: germline. Affected: no.

Labcorp Genetics (formerly Invitae), Labcorp
Classification: Uncertain significance for GLUT1 deficiency syndrome 1, autosomal recessive. Last evaluated: 2022-10-03. Review status: criteria provided, single submitter. Criteria: Invitae Variant Classification Sherloc (09022015). Collection method: clinical testing. Allele origin: germline.
Comment: In summary, the available evidence is currently insufficient to determine the role of this variant in disease. Therefore, it has been classified as a Variant of Uncertain Significance. Advanced modeling of protein sequence and biophysical properties (such as structural, functional, and spatial information, amino acid conservation, physicochemical variation, residue mobility, and thermodynamic stability) has been performed at Invitae for this missense variant, however the output from this modeling did not meet the statistical confidence thresholds required to predict the impact of this variant on SLC2A1 protein function. ClinVar contains an entry for this variant (Variation ID: 207217). This variant has not been reported in the literature in individuals affected with SLC2A1-related conditions. This variant is present in population databases (rs572648977, gnomAD 0.02%). This sequence change replaces glycine, which is neutral and non-polar, with tryptophan, which is neutral and slightly polar, at codon 470 of the SLC2A1 protein (p.Gly470Trp).

CeGaT Center for Human Genetics Tuebingen
Classification: Uncertain significance. Last evaluated: 2016-06-01. Review status: criteria provided, single submitter. Criteria: CeGaT Center For Human Genetics Tuebingen Variant Classification Criteria Version 2. Collection method: clinical testing. Allele origin: germline. Affected: yes. Observed: 1 variant allele.

GeneDx
Classification: Uncertain significance. Last evaluated: 2015-06-16. Review status: criteria provided, single submitter. Criteria: GeneDx Variant Classification (06012015). Collection method: clinical testing. Allele origin: germline. Affected: yes.
Comment: p.Gly470Trp (G470W) GGG>TGG: c.1408 G>T in exon 10 of the SLC2A1 gene (NM_006516.2) The G470W variant has not been published as a mutation, nor has it been reported as a benign polymorphism to our knowledge. It was not observed in approximately 6,500 individuals of European and African American ancestry in the NHLBI Exome Sequencing Project, indicating it is not a common benign variant in these populations. The G470W variant is a semi-D2 conservative amino acid substitution, which may impact secondary protein structure as these residues differ in some properties. This substitution occurs at a position that is conserved across mammals but is not conserved in more distantly related species in evolution. A missense mutation in a nearby residue (R468W) has been reported in association with Glut1-DS. In silico analysis predicts this variant is probably damaging to the protein structure/function. However, the possibility that it is a disease-associated mutation cannot be excluded since some individuals with SLC2A1 mutations have been reported to be mildly affected or unaffected due to variability in phenotypic expression and/or reduced penetrance (Mullen et al., 2010; Weber et al., 2008; Suls et al., 2008). The variant is found in EPILEPSY panel(s).

NM_006516.4(SLC2A1):c.1408G>T (p.Gly470Trp)

Gene: SLC2A1 (solute carrier family 2 member 1; minus strand). Cytogenetic location: 1p34.2.
Variant type: single nucleotide variant.
Coding change: c.1408G>T on transcript NM_006516.4 (MANE Select); coding-DNA position 1408, G replaced by T.
Protein change: p.Gly470Trp; replaces glycine 470 with tryptophan.
Molecular consequence: missense variant.
Genome position (GRCh38, 1-based): chr1:42,927,112, C>A on the plus strand (G>T on the coding strand, the complement: SLC2A1 is on the minus strand). VCF-style: chr1-42927112-C-A. GRCh37 (hg19) VCF-style: chr1-43392783-C-A.
Other names: p.G470W:GGG>TGG; short protein forms G470W.
Identifiers: ClinVar variation 207217 (VCV000207217.51), dbSNP rs572648977, ClinGen allele CA318478.
Genomic context (GRCh38, chr1:42,927,112, plus strand): 5'-AATCAGCCCCCAGGGGATGGAACAGCTCCTCGGGTGTCTTGTCACTTTGGCTGGCTCCCC[C>A]CTGCCGGAAGCCGGAAGCGATCTCATCGAAGGTCCGGCCTTTAGTCTCAGGAACTTTGAA-3'
Protein context (NP_006507.2, residues 460-480): FDEIASGFRQ[Gly470Trp]GASQSDKTPE